The following is an entry in ClinVar:

NM_000443.4(ABCB4):c.221T>G (p.Met74Arg)

Gene: ABCB4 (ATP binding cassette subfamily B member 4; minus strand). Cytogenetic location: 7q21.12.
Variant type: single nucleotide variant.
Coding change: c.221T>G on transcript NM_000443.4 (MANE Select); coding-DNA position 221, T replaced by G.
Protein change: p.Met74Arg; replaces methionine 74 with arginine.
Molecular consequence: missense variant.
Genome position (GRCh38, 1-based): chr7:87,462,823, A>C on the plus strand (T>G on the coding strand, the complement: ABCB4 is on the minus strand). VCF-style: chr7-87462823-A-C. GRCh37 (hg19) VCF-style: chr7-87092139-A-C.
Other names: c.221T>G, p.Met74Arg (NM_018849.3, NM_018850.3); short protein forms M74R.
Identifiers: ClinVar variation 4846562 (VCV004846562.1).

ClinVar aggregate classification (germline): Uncertain significance (1 of 4 stars; one submission).

Conditions:
Familial intrahepatic cholestasis. Identifiers: Orphanet 284385, MedGen CN296401, MONDO:0017290.

Submission:

Genomenon, Inc
Classification: Uncertain significance for Familial intrahepatic cholestasis. Last evaluated: 2026-04-14. Review status: criteria provided, single submitter. Criteria: Genomenon Sequence Variant Interpretation Standards - Updated. Collection method: curation. Allele origin: germline. Affected: yes.
Comment: ABCB4 p.Met74Arg (c.221T>G) is a missense variant that changes the amino acid at residue 74 from Methionine to Arginine. This variant has been observed in at least one proband with an ABCB4-related disorder (PMID:33915153). It is absent or not present at a significant frequency in gnomAD. In silico models predict that this variant is possibly or probably damaging. In conclusion, we classify ABCB4 p.Met74Arg (c.221T>G) as a variant of uncertain significance.

Literature cited by the submitters: PubMed 33915153.